The following is an entry in ClinVar:

ClinVar aggregate classification (germline): Uncertain significance. Review status: criteria provided, multiple submitters, no conflicts (2 of 4 stars). 4 submissions from 4 submitters: Uncertain significance (4). Last evaluated 2024-10-01.

Conditions:
Inborn genetic diseases. Identifiers: MedGen C0950123, MeSH D030342.

Allele frequency attached by ClinVar (database versions not stated): gnomAD 0.00003; ESP Exome Variant Server 0.00008.

Submissions (4):

Blueprint Genetics
Classification: Uncertain significance. Last evaluated: 2024-10-01. Review status: criteria provided, single submitter. Criteria: ACMG Guidelines, 2015. Collection method: clinical testing. Allele origin: germline.

GeneDx
Classification: Uncertain significance. Last evaluated: 2024-08-01. Review status: criteria provided, single submitter. Criteria: GeneDx Variant Classification Process June 2021. Collection method: clinical testing. Allele origin: germline. Affected: yes.
Comment: Reported in the homozygous state in two unrelated patients with congenital deafness (PMID: [Abstract]Giertlova2023); In silico analysis supports that this missense variant has a deleterious effect on protein structure/function; This variant is associated with the following publications: (PMID: [Abstract]Giertlova2023)

Labcorp Genetics (formerly Invitae), Labcorp
Classification: Uncertain significance. Last evaluated: 2024-03-28. Review status: criteria provided, single submitter. Criteria: Invitae Variant Classification Sherloc (09022015). Collection method: clinical testing. Allele origin: germline.
Comment: This sequence change replaces arginine, which is basic and polar, with tryptophan, which is neutral and slightly polar, at codon 132 of the FGF3 protein (p.Arg132Trp). This variant is present in population databases (rs372402801, gnomAD 0.005%). This variant has not been reported in the literature in individuals affected with FGF3-related conditions. ClinVar contains an entry for this variant (Variation ID: 2493848). An algorithm developed to predict the effect of missense changes on protein structure and function (PolyPhen-2) suggests that this variant is likely to be disruptive. In summary, the available evidence is currently insufficient to determine the role of this variant in disease. Therefore, it has been classified as a Variant of Uncertain Significance.

Ambry Genetics
Classification: Uncertain significance for Inborn genetic diseases. Last evaluated: 2023-03-02. Review status: criteria provided, single submitter. Criteria: Ambry Variant Classification Scheme 2023. Collection method: clinical testing. Allele origin: germline.

NM_005247.4(FGF3):c.394C>T (p.Arg132Trp)

Gene: FGF3 (fibroblast growth factor 3; minus strand). Cytogenetic location: 11q13.3.
Variant type: single nucleotide variant.
Coding change: c.394C>T on transcript NM_005247.4 (MANE Select); coding-DNA position 394, C replaced by T.
Protein change: p.Arg132Trp; replaces arginine 132 with tryptophan.
Molecular consequence: missense variant.
Genome position (GRCh38, 1-based): chr11:69,810,631, G>A on the plus strand (C>T on the coding strand, the complement: FGF3 is on the minus strand). VCF-style: chr11-69810631-G-A. GRCh37 (hg19) VCF-style: chr11-69625399-G-A.
Other names: short protein forms R132W.
Identifiers: ClinVar variation 2493848 (VCV002493848.7), dbSNP rs372402801, ClinGen allele CA6157083.
Genomic context (GRCh38, chr11:69,810,631, plus strand): 5'-GTCTCTCGGCGCTGGGCTGCCGGCGGGCCCCAGGCGTACTAGACACCGTCCGGTACAGCC[G>A]GGAGGCATACGTATTATAGCCCAGCTCGTGGATCCGCTCCACAAACTCGCACTCGGCGCT-3'
Protein context (NP_005238.1, residues 122-142): HELGYNTYAS[Arg132Trp]LYRTVSSTPG